The following is an entry in ClinVar:

NM_001252024.2(TRPM1):c.1572+14A>G

Gene: TRPM1 (transient receptor potential cation channel subfamily M member 1; minus strand). Cytogenetic location: 15q13.3.
Variant type: single nucleotide variant.
Coding change: c.1572+14A>G on transcript NM_001252024.2 (MANE Select); 14 bases into the intron after coding-DNA position 1572, A replaced by G.
Molecular consequence: intron variant.
Genome position (GRCh38, 1-based): chr15:31,049,361, T>C on the plus strand (A>G on the coding strand, the complement: TRPM1 is on the minus strand). VCF-style: chr15-31049361-T-C. GRCh37 (hg19) VCF-style: chr15-31341564-T-C.
Other names: c.1623+14A>G (NM_001252020.2); c.1506+14A>G (NM_002420.6).
Identifiers: ClinVar variation 315525 (VCV000315525.16), dbSNP rs17228080, ClinGen allele CA7452532.

ClinVar aggregate classification (germline): Benign. Review status: criteria provided, multiple submitters, no conflicts (2 of 4 stars). 4 submissions from 4 submitters: Benign (4). Last evaluated 2026-02-03.

Conditions:
Congenital stationary night blindness 1C. Also called: Night blindness, congenital stationary (complete), 1C, autosomal recessive. Identifiers: Orphanet 215, MedGen C2750747, MONDO:0013183, OMIM 613216.

Allele frequency attached by ClinVar (database versions not stated): ESP Exome Variant Server 0.01810; 1000 Genomes Project 0.02316; gnomAD 0.02373 and 0.02423; 1000 Genomes Project 30x 0.02498; gnomAD exomes 0.02851 and 0.04165; TOPMed 0.02857; ExAC 0.03766.
gnomAD v4.1: 45,033 of 1,614,122 alleles (2.8%); highest among the groups gnomAD compares: Admixed American, 13%; 1,165 homozygotes.

Submissions (4):

Labcorp Genetics (formerly Invitae), Labcorp
Classification: Benign. Last evaluated: 2026-02-03. Review status: criteria provided, single submitter. Criteria: Invitae Variant Classification Sherloc (09022015). Collection method: clinical testing. Allele origin: germline.

GeneDx
Classification: Benign. Last evaluated: 2021-05-21. Review status: criteria provided, single submitter. Criteria: GeneDx Variant Classification Process June 2021. Collection method: clinical testing. Allele origin: germline. Affected: yes.

Illumina Laboratory Services, Illumina
Classification: Benign for Congenital stationary night blindness 1C. Last evaluated: 2018-01-12. Review status: criteria provided, single submitter. Criteria: ICSL Variant Classification Criteria 13 December 2019. Collection method: clinical testing. Allele origin: germline.
Comment: This variant was observed in the ICSL laboratory as part of a predisposition screen in an ostensibly healthy population. It had not been previously curated by ICSL or reported in the Human Gene Mutation Database (HGMD: prior to June 1st, 2018), and was therefore a candidate for classification through an automated scoring system. Utilizing variant allele frequency, disease prevalence and penetrance estimates, and inheritance mode, an automated score was calculated to assess if this variant is too frequent to cause the disease. Based on the score and internal cut-off values, a variant classified as benign is not then subjected to further curation. The score for this variant resulted in a classification of benign for this disease.

Breakthrough Genomics
Classification: Benign. Review status: criteria provided, single submitter. Criteria: ACMG Guidelines, 2015. Collection method: not provided. Allele origin: germline. Inheritance: Unknown mechanism. Affected: yes.